The following is an entry in ClinVar:

ClinVar aggregate classification (germline): Benign. Review status: criteria provided, multiple submitters, no conflicts (2 of 4 stars). 2 submissions from 2 submitters: Benign (2). Last evaluated 2026-02-01.

Allele frequency attached by ClinVar (database versions not stated): gnomAD exomes 0.00386; ExAC 0.00454; gnomAD 0.01362 and 0.01474; ESP Exome Variant Server 0.01476; TOPMed 0.01556; 1000 Genomes Project 0.01637; 1000 Genomes Project 30x 0.01671.
gnomAD v4.1: 4,275 of 1,613,996 alleles (0.26%); highest among the groups gnomAD compares: African/African-American, 4.7%; 89 homozygotes.

Submissions (2):

Labcorp Genetics (formerly Invitae), Labcorp
Classification: Benign. Last evaluated: 2026-02-01. Review status: criteria provided, single submitter. Criteria: Invitae Variant Classification Sherloc (09022015). Collection method: clinical testing. Allele origin: germline.

Mayo Clinic Laboratories, Mayo Clinic
Classification: Benign. Last evaluated: 2024-01-10. Review status: criteria provided, single submitter. Criteria: ACMG Guidelines, 2015. Collection method: clinical testing. Allele origin: germline. Observed: 8 variant alleles.
Comment: BS1, BS2, BP4

NM_022047.4(DEF6):c.1862A>C (p.Gln621Pro)

Gene: DEF6 (DEF6 guanine nucleotide exchange factor; plus strand). Cytogenetic location: 6p21.31.
Variant type: single nucleotide variant.
Coding change: c.1862A>C on transcript NM_022047.4 (MANE Select); coding-DNA position 1862, A replaced by C.
Protein change: p.Gln621Pro; replaces glutamine 621 with proline.
Molecular consequence: missense variant.
Genome position (GRCh38, 1-based): chr6:35,321,376, A>C. VCF-style: chr6-35321376-A-C. GRCh37 (hg19) VCF-style: chr6-35289153-A-C.
Other names: p.Gln621Pro; short protein forms Q621P.
Identifiers: ClinVar variation 716892 (VCV000716892.10), dbSNP rs6917127, ClinGen allele CA3771031.